The following is an entry in ClinVar:

NM_005228.5(EGFR):c.1520A>C (p.His507Pro)

Gene: EGFR (epidermal growth factor receptor; plus strand). Cytogenetic location: 7p11.2.
Variant type: single nucleotide variant.
Coding change: c.1520A>C on transcript NM_005228.5 (MANE Select); coding-DNA position 1520, A replaced by C.
Protein change: p.His507Pro; replaces histidine 507 with proline.
Molecular consequence: missense variant.
Genome position (GRCh38, 1-based): chr7:55,161,520, A>C. VCF-style: chr7-55161520-A-C. GRCh37 (hg19) VCF-style: chr7-55229213-A-C.
Other names: c.1385A>C, p.His462Pro (NM_001346897.2, NM_001346899.2); c.1520A>C, p.His507Pro (NM_001346898.2, NM_201282.2, NM_201284.2); c.1361A>C, p.His454Pro (NM_001346900.2); c.719A>C, p.His240Pro (NM_001346941.2); short protein forms H240P, H462P, H507P, H454P.
Identifiers: ClinVar variation 2737171 (VCV002737171.3), dbSNP rs2128942738, ClinGen allele CA367579809.

ClinVar aggregate classification (germline): Uncertain significance (1 of 4 stars; one submission).

Conditions:
EGFR-related lung cancer (EGFR). Identifiers: MedGen CN130014.

Submission:

Labcorp Genetics (formerly Invitae), Labcorp
Classification: Uncertain significance for EGFR-related lung cancer. Last evaluated: 2023-07-07. Review status: criteria provided, single submitter. Criteria: Invitae Variant Classification Sherloc (09022015). Collection method: clinical testing. Allele origin: germline.
Comment: This sequence change replaces histidine, which is basic and polar, with proline, which is neutral and non-polar, at codon 507 of the EGFR protein (p.His507Pro). This variant is not present in population databases (gnomAD no frequency). This variant has not been reported in the literature in individuals affected with EGFR-related conditions. Advanced modeling of protein sequence and biophysical properties (such as structural, functional, and spatial information, amino acid conservation, physicochemical variation, residue mobility, and thermodynamic stability) has been performed at Invitae for this missense variant, however the output from this modeling did not meet the statistical confidence thresholds required to predict the impact of this variant on EGFR protein function. In summary, the available evidence is currently insufficient to determine the role of this variant in disease. Therefore, it has been classified as a Variant of Uncertain Significance.